The following is an entry in ClinVar:

ClinVar aggregate classification (germline): Uncertain significance. Review status: criteria provided, multiple submitters, no conflicts (2 of 4 stars). 12 submissions from 12 submitters: Uncertain significance (9). 3 of the submissions do not count toward it. Last evaluated 2025-07-31.

Conditions:
Hereditary cancer-predisposing syndrome. Also called: Tumor predisposition; Hereditary Cancer Syndrome; Hereditary neoplastic syndrome; Neoplastic Syndromes, Hereditary. Identifiers: Orphanet 140162, MedGen C0027672, MeSH D009386, MONDO:0015356.
Microcephaly, normal intelligence and immunodeficiency (NBS). Also called: Ataxia telangiectasia variant V1; IMMUNODEFICIENCY, MICROCEPHALY, AND CHROMOSOMAL INSTABILITY; Nijmegen breakage syndrome; Microcephaly with normal intelligence immunodeficiency and lymphoreticular malignancies; Nonsyndromal microcephaly autosomal recessive with normal intelligence; Seemanova syndrome 2. Identifiers: Orphanet 647, MedGen C0398791, MONDO:0009623, OMIM 251260.
Aplastic anemia. Identifiers: Orphanet 182040, Orphanet 88, MedGen C0002874, MONDO:0015909, OMIM 609135, HP:0001915.
Malignant tumor of breast. Also called: Malignant breast neoplasm; Cancer breast. Identifiers: MedGen C0006142, MONDO:0007254. Disease mechanism: loss of function.

Allele frequency attached by ClinVar (database versions not stated): gnomAD 0.00001; gnomAD exomes 0.00002 and 0.00003; TOPMed 0.00002; ExAC 0.00004.
gnomAD v4.1: 27 of 1,611,886 alleles (0.0017%); highest among the groups gnomAD compares: Admixed American, 0.0083%; no homozygotes.

Submissions (12):

Quest Diagnostics Nichols Institute San Juan Capistrano
Classification: Uncertain significance. Last evaluated: 2025-07-31. Review status: criteria provided, single submitter. Criteria: Quest Diagnostics criteria. Collection method: clinical testing. Allele origin: unknown.
Comment: The NBN c.938C>T (p.Ala313Val) variant has been reported in the published literature in an individual affected with B-cell acute lymphoblastic leukemia (B-ALL) (PMID: 38446568 (2024)) and in a cohort of patients treated at a cancer center (PMID: 36346689 (2023)). In a large scale breast cancer association study, this variant has been observed in breast cancer cases and a reportedly unaffected individual (PMID: 33471991 (2021), see also LOVD). The frequency of this variant in the general population (Genome Aggregation Database) is uninformative in the assessment of its pathogenicity. Analysis of this variant using bioinformatics tools for the prediction of the effect of amino acid changes on protein structure and function yielded predictions that this variant is damaging. Based on the available information, we are unable to determine the clinical significance of this variant.

Women's Health and Genetics/Laboratory Corporation of America, LabCorp
Classification: Uncertain significance. Last evaluated: 2025-02-10. Review status: criteria provided, single submitter. Criteria: LabCorp Variant Classification Summary - May 2015. Collection method: clinical testing. Allele origin: germline.
Comment: Variant summary: NBN c.938C>T (p.Ala313Val) results in a non-conservative amino acid change located in the Nibrin, second BRCT domain (IPR032429) of the encoded protein sequence. Five of five in-silico tools predict a damaging effect of the variant on protein function. The variant allele was found at a frequency of 3.2e-05 in 251196 control chromosomes. The available data on variant occurrences in the general population are insufficient to allow any conclusion about variant significance. c.938C>T has been reported in the literature in an study for screening cancer susceptibility variants (Belhadj_2023). These report(s) do not provide unequivocal conclusions about association of the variant with Nijmegen Breakage Syndrome. To our knowledge, no experimental evidence demonstrating an impact on protein function has been reported. The following publication have been ascertained in the context of this evaluation (PMID: 36346689). ClinVar contains an entry for this variant (Variation ID: 182735). Based on the evidence outlined above, the variant was classified as uncertain significance.

Labcorp Genetics (formerly Invitae), Labcorp
Classification: Uncertain significance for Microcephaly, normal intelligence and immunodeficiency. Last evaluated: 2024-08-15. Review status: criteria provided, single submitter. Criteria: Invitae Variant Classification Sherloc (09022015). Collection method: clinical testing. Allele origin: germline.
Comment: This sequence change replaces alanine, which is neutral and non-polar, with valine, which is neutral and non-polar, at codon 313 of the NBN protein (p.Ala313Val). This variant is present in population databases (rs730881862, gnomAD 0.01%). This variant has not been reported in the literature in individuals affected with NBN-related conditions. ClinVar contains an entry for this variant (Variation ID: 182735). An algorithm developed to predict the effect of missense changes on protein structure and function (PolyPhen-2) suggests that this variant is likely to be disruptive. In summary, the available evidence is currently insufficient to determine the role of this variant in disease. Therefore, it has been classified as a Variant of Uncertain Significance.

GeneDx
Classification: Uncertain significance. Last evaluated: 2024-03-12. Review status: criteria provided, single submitter. Criteria: GeneDx Variant Classification Process June 2021. Collection method: clinical testing. Allele origin: germline. Affected: yes.
Comment: In silico analysis supports that this missense variant has a deleterious effect on protein structure/function; This variant is associated with the following publications: (PMID: 27149842, 24894818, 37503171, 36346689)

Baylor Genetics
Classification: Uncertain significance for Aplastic anemia. Last evaluated: 2024-02-28. Review status: criteria provided, single submitter. Criteria: ACMG Guidelines, 2015. Collection method: clinical testing. Allele origin: unknown.

Ambry Genetics
Classification: Uncertain significance for Hereditary cancer-predisposing syndrome. Last evaluated: 2024-01-16. Review status: criteria provided, single submitter. Criteria: Ambry Variant Classification Scheme 2023. Collection method: clinical testing. Allele origin: germline.

Blueprint Genetics
Classification: Uncertain significance. Last evaluated: 2022-08-09. Review status: criteria provided, single submitter. Criteria: ACMG Guidelines, 2015. Collection method: clinical testing. Allele origin: germline.

Genome-Nilou Lab
Classification: Uncertain significance for Microcephaly, normal intelligence and immunodeficiency. Last evaluated: 2021-11-07. Review status: criteria provided, single submitter. Criteria: ACMG Guidelines, 2015. Collection method: clinical testing. Allele origin: germline. Affected: no.

Eurofins Ntd Llc (ga)
Classification: Uncertain significance. Last evaluated: 2016-06-27. Review status: criteria provided, single submitter. Criteria: EGL Classification Definitions 2015. Collection method: clinical testing. Allele origin: germline. Observed: 1 variant allele, 1 heterozygote.

Institute for Biomarker Research, Medical Diagnostic Laboratories, L.L.C.
Classification: Uncertain significance for Hereditary cancer-predisposing syndrome. Last evaluated: 2021-09-27. Review status: no assertion criteria provided. Collection method: clinical testing. Allele origin: germline. Not counted in ClinVar's aggregate classification.

Natera, Inc.
Classification: Uncertain significance for Nijmegen breakage syndrome. Last evaluated: 2020-09-16. Review status: no assertion criteria provided. Collection method: clinical testing. Allele origin: germline. Not counted in ClinVar's aggregate classification.

Department of Pathology and Laboratory Medicine, Sinai Health System
Classification: Uncertain significance for Malignant tumor of breast. Review status: no assertion criteria provided. Collection method: clinical testing. Allele origin: unknown. Affected: yes. Study: The Canadian Open Genetics Repository (COGR). Not counted in ClinVar's aggregate classification.
Comment: The NBN p.Ala313Val variant was not identified in the literature nor was it identified in the LOVD 3.0, or Zhejiang University databases. The variant was also identified in dbSNP (ID: rs730881862) as "With Uncertain significance allele", ClinVar (classified as uncertain significance by GeneDx, Ambry Genetics, Invitae, Color and one clinical laboratory), and in Cosmic (1x Large intestine). The variant was identified in control databases in 9 of 245950 chromosomes at a frequency of 0.00004 (Genome Aggregation Database Feb 27, 2017). The variant was observed in the following populations: Latino in 5 of 33558 chromosomes (freq: 0.0002), European in 3 of 111480 chromosomes (freq: 0.00003), and South Asian in 1 of 30782 chromosomes (freq: 0.00003); it was not observed in the African, Other, Ashkenazi Jewish, East Asian, or Finnish populations. The p.Ala313 residue is conserved in mammals and computational analyses (PolyPhen-2, SIFT, AlignGVGD, BLOSUM, MutationTaster) provide inconsistent predictions regarding the impact to the protein; this information is not very predictive of pathogenicity. The variant occurs outside of the splicing consensus sequence and 1 of 4 in silico or computational prediction software programs (SpliceSiteFinder, MaxEntScan, NNSPLICE, GeneSplicer) predict a greater than 10% difference in splicing; this is not very predictive of pathogenicity. In summary, based on the above information the clinical significance of this variant cannot be determined with certainty at this time. This variant is classified as a variant of uncertain significance.

Literature cited by the submitters: PubMed 33471991 (cited by Quest Diagnostics Nichols Institute San Juan Capistrano); PubMed 36346689 (cited by Quest Diagnostics Nichols Institute San Juan Capistrano and Women's Health and Genetics/Laboratory Corporation of America, LabCorp); PubMed 38446568 (cited by Quest Diagnostics Nichols Institute San Juan Capistrano).

NM_002485.5(NBN):c.938C>T (p.Ala313Val)

Gene: NBN (nibrin; minus strand). Cytogenetic location: 8q21.3.
Variant type: single nucleotide variant.
Coding change: c.938C>T on transcript NM_002485.5 (MANE Select); coding-DNA position 938, C replaced by T.
Protein change: p.Ala313Val; replaces alanine 313 with valine.
Molecular consequence: missense variant.
Genome position (GRCh38, 1-based): chr8:89,964,466, G>A on the plus strand (C>T on the coding strand, the complement: NBN is on the minus strand). VCF-style: chr8-89964466-G-A. GRCh37 (hg19) VCF-style: chr8-90976694-G-A.
Other names: p.A313V:GCG>GTG; c.692C>T, p.Ala231Val (NM_001024688.3); short protein forms A313V, A231V.
Identifiers: ClinVar variation 182735 (VCV000182735.39), dbSNP rs730881862, ClinGen allele CA247602.